The following is an entry in ClinVar:

ClinVar aggregate classification (germline): Uncertain significance. Review status: reviewed by expert panel (3 of 4 stars). 10 submissions from 9 submitters: Uncertain significance (1). 9 of the submissions do not count toward it. Last evaluated 2025-08-01.

Conditions:
Central core myopathy (CMYO1A). Also called: Central core disease; Myopathy, central fibrillar; CONGENITAL MYOPATHY 1A, AUTOSOMAL DOMINANT, WITH SUSCEPTIBILITY TO MALIGNANT HYPERTHERMIA. Identifiers: Orphanet 597, MedGen C5830701, MONDO:0007294, OMIM 117000.
Malignant hyperthermia, susceptibility to, 1 (MHS1). Also called: Anesthesia related hyperthermia; Malignant hyperpyrexia; Fulminating hyperpyrexia; Pharmacogenic myopathy; RYR1-Related Malignant Hyperthermia Susceptibility; Malignant hyperthermia suceptibility 1. Identifiers: Orphanet 423, MedGen C2930980, MONDO:0007783, OMIM 145600.
Congenital multicore myopathy with external ophthalmoplegia (CMYO1B). Also called: MULTICORE MYOPATHY; Minicore myopathy with external ophthalmoplegia; Congenital myopathy 1B, autosomal recessive; Minicore myopathy; MULTIMINICORE DISEASE WITH EXTERNAL OPHTHALMOPLEGIA. Identifiers: Orphanet 598, Orphanet 98905, MedGen C1850674, MONDO:0009712, OMIM 255320, HP:0003789.
Congenital myopathy with fiber type disproportion. Also called: Congenital fiber-type disproportion; Congenital fiber-type disproportion myopathy. Identifiers: Orphanet 2020, MedGen C0546264, MONDO:0009711. Inheritance: all.
King Denborough syndrome (KDS). Identifiers: MedGen C1840365, MONDO:0020485, OMIM 619542.
RYR1-related disorder. Also called: RYR1-related condition; RYR1-related disorders. Identifiers: MedGen CN239331.

Allele frequency attached by ClinVar (database versions not stated): TOPMed 0.00005; gnomAD exomes 0.00006 and 0.00008; ExAC 0.00007; gnomAD 0.00008 and 0.00009; ESP Exome Variant Server 0.00015.
gnomAD v4.1: 126 of 1,614,010 alleles (0.0078%); highest among the groups gnomAD compares: Non-Finnish European, 0.0095%; no homozygotes.

Submissions (10):

ClinGen Malignant Hyperthermia Susceptibility Variant Curation Expert Panel, ClinGen
Classification: Uncertain significance for Malignant hyperthermia, susceptibility to, 1. Last evaluated: 2025-08-01. Review status: reviewed by expert panel. Criteria: ClinGen MHS ACMG Specifications V2. Collection method: curation. Allele origin: germline. Inheritance: Autosomal dominant inheritance.
Comment: This pathogenicity assessment is relevant only for malignant hyperthermia susceptibility (MHS) inherited in an autosomal dominant pattern. Variants in RYR1 can also cause other myopathies inherited in an autosomal dominant pattern or in an autosomal recessive pattern. Some of these disorders may predispose individuals to malignant hyperthermia. RYR1 variants may also contribute to a malignant hyperthermia reaction in combination with other genetic and non-genetic factors and the clinician needs to consider such factors in making management decisions. This sequence variant predicts a substitution of arginine with cysteine at codon 3348 of the RYR1 protein, p.(Arg3348Cys). The maximum allele frequency for this variant among the six major gnomAD populations is NFE: 0.000132, a frequency consistent with pathogenicity for MHS. This variant has been reported in an individual with a personal or family history of an MH episode and a positive in vitro contracture test (IVCT) or caffeine halothane contracture test (CHCT) result (if the proband was unavailable for testing, a positive diagnostic test result in a mutation-positive relative was counted) (PMID:30236257), PS4_Supporting. No functional studies were identified for this variant. This variant does not reside in a hotspot for pathogenic variants that contribute to MHS. A REVEL score of 0.603 supports neither a pathogenic nor a benign status for this variant. This variant has been classified as a Variant of Unknown Significance. Criteria implemented: PS4_Supporting.

Labcorp Genetics (formerly Invitae), Labcorp
Classification: Uncertain significance for RYR1-related disorder. Last evaluated: 2025-07-23. Review status: criteria provided, single submitter. Criteria: Invitae Variant Classification Sherloc (09022015). Collection method: clinical testing. Allele origin: germline. Not counted in ClinVar's aggregate classification.
Comment: This sequence change replaces arginine, which is basic and polar, with cysteine, which is neutral and slightly polar, at codon 3348 of the RYR1 protein (p.Arg3348Cys). This variant is present in population databases (rs118204421, gnomAD 0.02%). This missense change has been observed in individual(s) with malignant hyperthermia (PMID: 22415532, 30236257). ClinVar contains an entry for this variant (Variation ID: 329095). Invitae Evidence Modeling of protein sequence and biophysical properties (such as structural, functional, and spatial information, amino acid conservation, physicochemical variation, residue mobility, and thermodynamic stability) indicates that this missense variant is not expected to disrupt RYR1 protein function with a negative predictive value of 80%. In summary, the available evidence is currently insufficient to determine the role of this variant in disease. Therefore, it has been classified as a Variant of Uncertain Significance.

All of Us Research Program, National Institutes of Health
Classification: Uncertain significance for Malignant hyperthermia, susceptibility to, 1. Last evaluated: 2024-09-23. Review status: criteria provided, single submitter. Criteria: ACMG Guidelines, 2015. Collection method: clinical testing. Allele origin: germline. Inheritance: Autosomal dominant inheritance. Observed: 26 variant alleles, 26 heterozygotes. Not counted in ClinVar's aggregate classification.
Comment: This missense variant replaces arginine with cysteine at codon 3348 of the RYR1 protein. Computational prediction suggests that this variant may have deleterious impact on protein structure and function (internally defined REVEL score threshold >= 0.7, PMID: 27666373). A functional study in patient-derived muscle cells showed cells carrying this variant were more sensitive to caffeine and halothane, but not 4-CmC, than cells carrying wild-type RYR1 (PMID: 22415532). This variant has been reported in two families affected with malignant hyperthermia susceptibility (PMID: 22415532, 30236257). One family also carried a pathogenic variant in the RYR1 gene that could explain the observed phenotype (PMID: 22415532). This variant has been identified in 19/282350 chromosomes in the general population by the Genome Aggregation Database (gnomAD). The available evidence is insufficient to determine the role of this variant in disease conclusively. Therefore, this variant is classified as a Variant of Uncertain Significance.

This study involves interpretation of variants in research participants for the purpose of population health screening. Participant phenotype was not available at the time of variant classification. Additional details can be found in publication PMID: 35346344, PMCID: PMC8962531

Color Diagnostics, LLC DBA Color Health
Classification: Uncertain significance for Malignant hyperthermia, susceptibility to, 1. Last evaluated: 2024-03-28. Review status: criteria provided, single submitter. Criteria: ACMG Guidelines, 2015. Collection method: clinical testing. Allele origin: germline. Not counted in ClinVar's aggregate classification.
Comment: This missense variant replaces arginine with cysteine at codon 3348 of the RYR1 protein. Computational prediction tool is inconclusive regarding the impact of this variant on protein structure and function. A functional study in patient-derived muscle cells showed cells carrying this variant were more sensitive to caffeine and halothane, but not 4-CmC, than cells carrying wild-type RYR1 (PMID: 22415532). This variant has been reported in two families affected with malignant hyperthermia susceptibility (PMID: 22415532, 30236257). One family also carried a pathogenic variant in the RYR1 gene that could explain the observed phenotype (PMID: 22415532). This variant has been identified in 19/282350 chromosomes in the general population by the Genome Aggregation Database (gnomAD). The available evidence is insufficient to determine the role of this variant in disease conclusively. Therefore, this variant is classified as a Variant of Uncertain Significance.

Revvity Omics, Revvity
Classification: Uncertain significance. Last evaluated: 2023-02-24. Review status: criteria provided, single submitter. Criteria: ACMG Guidelines, 2015. Collection method: clinical testing. Allele origin: germline. Not counted in ClinVar's aggregate classification.

Fulgent Genetics
Classification: Uncertain significance for Central core myopathy; Malignant hyperthermia, susceptibility to, 1; Congenital myopathy 4A, autosomal dominant; Congenital multicore myopathy with external ophthalmoplegia; King Denborough syndrome. Last evaluated: 2022-02-11. Review status: criteria provided, single submitter. Criteria: ACMG Guidelines, 2015. Collection method: clinical testing. Allele origin: unknown. Not counted in ClinVar's aggregate classification.

Centre for Mendelian Genomics, University Medical Centre Ljubljana
Classification: Uncertain significance for Congenital myopathy 4A, autosomal dominant. Last evaluated: 2019-09-11. Review status: criteria provided, single submitter. Criteria: ACMG Guidelines, 2015. Collection method: clinical testing. Allele origin: unknown. Affected: yes. Not counted in ClinVar's aggregate classification.
Comment: This variant was classified as: Uncertain significance. The available evidence on this variant's pathogenicity is insufficient or conflicting. The following ACMG criteria were applied in classifying this variant: PP3,PP5.

Illumina Laboratory Services, Illumina
Classification: Uncertain significance for Central core myopathy. Last evaluated: 2017-04-28. Review status: criteria provided, single submitter. Criteria: ICSL Variant Classification Criteria 13 December 2019. Collection method: clinical testing. Allele origin: germline. Not counted in ClinVar's aggregate classification.

Illumina Laboratory Services, Illumina
Classification: Uncertain significance for Congenital multicore myopathy with external ophthalmoplegia. Last evaluated: 2017-04-28. Review status: criteria provided, single submitter. Criteria: ICSL Variant Classification Criteria 13 December 2019. Collection method: clinical testing. Allele origin: germline. Not counted in ClinVar's aggregate classification.

PreventionGenetics, part of Exact Sciences
Classification: Uncertain significance for RYR1-related condition. Last evaluated: 2024-03-29. Review status: no assertion criteria provided. Collection method: clinical testing. Allele origin: germline. Not counted in ClinVar's aggregate classification.
Comment: The RYR1 c.10042C>T variant is predicted to result in the amino acid substitution p.Arg3348Cys. This variant has been reported to segregate with malignant hyperthermia (MH) in a family (Kaufmann A et al 2012. PubMed ID: 22415532). However, only one individual in this family was identified with this variant alone, whereas other family members with disease harbored another known causative MH variant. A different substitution of the same amino acid (p.Arg3348His) is reported to be causative for malignant hyperthermia susceptibility (Sambuughin et al. 2005. PubMed ID: 15731587). This variant is reported in 0.019% of alleles in individuals of Ashkenazi Jewish descent in gnomAD. This variant has an interpretation of uncertain significance in ClinVar. Although we suspect that this variant may be pathogenic, at this time, the clinical significance of this variant is uncertain due to the absence of conclusive functional and genetic evidence.

Literature cited by the submitters: PubMed 22415532 (cited by 3 submitters); PubMed 30236257 (cited by 3 submitters).

NM_000540.3(RYR1):c.10042C>T (p.Arg3348Cys)

Gene: RYR1 (ryanodine receptor 1; plus strand). Cytogenetic location: 19q13.2.
Variant type: single nucleotide variant.
Coding change: c.10042C>T on transcript NM_000540.3 (MANE Select); coding-DNA position 10042, C replaced by T.
Protein change: p.Arg3348Cys; replaces arginine 3348 with cysteine.
Molecular consequence: missense variant.
Genome position (GRCh38, 1-based): chr19:38,519,237, C>T. VCF-style: chr19-38519237-C-T. GRCh37 (hg19) VCF-style: chr19-39009877-C-T.
Other names: NM_000540.2(RYR1):c.10042C>T; p.Arg3348Cys; c.10042C>T, p.Arg3348Cys (NM_001042723.2); short protein forms R3348C.
Identifiers: ClinVar variation 329095 (VCV000329095.26), dbSNP rs118204421, ClinGen allele CA079715.